The following is an entry in ClinVar:

NM_002074.5(GNB1):c.700-3C>T

Gene: GNB1 (G protein subunit beta 1; minus strand). Cytogenetic location: 1p36.33.
Variant type: single nucleotide variant.
Coding change: c.700-3C>T on transcript NM_002074.5 (MANE Select); 3 bases into the intron before coding-DNA position 700, C replaced by T.
Molecular consequence: intron variant.
Genome position (GRCh38, 1-based): chr1:1,789,272, G>A on the plus strand (C>T on the coding strand, the complement: GNB1 is on the minus strand). VCF-style: chr1-1789272-G-A. GRCh37 (hg19) VCF-style: chr1-1720711-G-A.
Other names: c.700-3C>T (NM_001282539.2); c.400-3C>T (NM_001282538.2).
Identifiers: ClinVar variation 2014104 (VCV002014104.4), dbSNP rs764459240, ClinGen allele CA531950.

ClinVar aggregate classification (germline): Uncertain significance (1 of 4 stars; one submission).

Allele frequency attached by ClinVar (database versions not stated): gnomAD exomes below 0.00001; ExAC 0.00001.
gnomAD v4.1: 6 of 1,564,232 alleles (0.00038%); highest among the groups gnomAD compares: South Asian, 0.0067%; no homozygotes.

Submission:

Labcorp Genetics (formerly Invitae), Labcorp
Classification: Uncertain significance. Last evaluated: 2022-10-02. Review status: criteria provided, single submitter. Criteria: Invitae Variant Classification Sherloc (09022015). Collection method: clinical testing. Allele origin: germline.
Comment: This variant is not present in population databases (gnomAD no frequency). In summary, the available evidence is currently insufficient to determine the role of this variant in disease. Therefore, it has been classified as a Variant of Uncertain Significance. Variants that disrupt the consensus splice site are a relatively common cause of aberrant splicing (PMID: 17576681, 9536098). Algorithms developed to predict the effect of sequence changes on RNA splicing suggest that this variant is not likely to affect RNA splicing. This variant has not been reported in the literature in individuals affected with GNB1-related conditions. This sequence change falls in intron 9 of the GNB1 gene. It does not directly change the encoded amino acid sequence of the GNB1 protein. It affects a nucleotide within the consensus splice site.

Literature cited by the submitters: PubMed 17576681; PubMed 9536098.